The following is an entry in ClinVar:

NM_001042545.2(LTBP4):c.3961G>A (p.Ala1321Thr)

Gene: LTBP4 (latent transforming growth factor beta binding protein 4; plus strand). Cytogenetic location: 19q13.2.
Variant type: single nucleotide variant.
Coding change: c.3961G>A on transcript NM_001042545.2 (MANE Select); coding-DNA position 3961, G replaced by A.
Protein change: p.Ala1321Thr; replaces alanine 1321 with threonine.
Molecular consequence: missense variant.
Genome position (GRCh38, 1-based): chr19:40,625,985, G>A. VCF-style: chr19-40625985-G-A. GRCh37 (hg19) VCF-style: chr19-41131890-G-A.
Other names: c.4162G>A, p.Ala1388Thr (NM_001042544.1); c.4051G>A, p.Ala1351Thr (NM_003573.2); short protein forms A1351T, A1321T, A1388T.
Identifiers: ClinVar variation 1500013 (VCV001500013.3), dbSNP rs377003640, ClinGen allele CA9449182.

ClinVar aggregate classification (germline): Uncertain significance (1 of 4 stars; one submission).

Allele frequency attached by ClinVar (database versions not stated): ESP Exome Variant Server 0.00008; ExAC 0.00031; 1000 Genomes Project 0.00040; 1000 Genomes Project 30x 0.00047.
gnomAD v4.1: 151 of 1,606,520 alleles (0.0094%); highest among the groups gnomAD compares: South Asian, 0.11%; 1 homozygote.

Submission:

Labcorp Genetics (formerly Invitae), Labcorp
Classification: Uncertain significance. Last evaluated: 2022-04-21. Review status: criteria provided, single submitter. Criteria: Invitae Variant Classification Sherloc (09022015). Collection method: clinical testing. Allele origin: germline.
Comment: This sequence change replaces alanine, which is neutral and non-polar, with threonine, which is neutral and polar, at codon 1351 of the LTBP4 protein (p.Ala1351Thr). This variant is present in population databases (rs377003640, gnomAD 0.1%). This variant has not been reported in the literature in individuals affected with LTBP4-related conditions. Experimental studies and prediction algorithms are not available or were not evaluated, and the functional significance of this variant is currently unknown. In summary, the available evidence is currently insufficient to determine the role of this variant in disease. Therefore, it has been classified as a Variant of Uncertain Significance.